The following is an entry in ClinVar:

ClinVar aggregate classification (germline): Uncertain significance (1 of 4 stars; one submission).

Allele frequency attached by ClinVar (database versions not stated): ExAC 0.00001; TOPMed 0.00002; gnomAD 0.00003.
gnomAD v4.1: 21 of 1,608,792 alleles (0.0013%); highest among the groups gnomAD compares: African/African-American, 0.004%; no homozygotes.

Submission:

Labcorp Genetics (formerly Invitae), Labcorp
Classification: Uncertain significance. Last evaluated: 2023-12-09. Review status: criteria provided, single submitter. Criteria: Invitae Variant Classification Sherloc (09022015). Collection method: clinical testing. Allele origin: germline.
Comment: This sequence change replaces threonine, which is neutral and polar, with methionine, which is neutral and non-polar, at codon 83 of the ERBIN protein (p.Thr83Met). This variant is present in population databases (rs756742838, gnomAD 0.007%). This variant has not been reported in the literature in individuals affected with ERBIN-related conditions. ClinVar contains an entry for this variant (Variation ID: 2164092). An algorithm developed to predict the effect of missense changes on protein structure and function (PolyPhen-2) suggests that this variant is likely to be disruptive. In summary, the available evidence is currently insufficient to determine the role of this variant in disease. Therefore, it has been classified as a Variant of Uncertain Significance.

NM_001253697.2(ERBIN):c.248C>T (p.Thr83Met)

Gene: ERBIN (erbb2 interacting protein; plus strand). Cytogenetic location: 5q12.3.
Variant type: single nucleotide variant.
Coding change: c.248C>T on transcript NM_001253697.2 (MANE Select); coding-DNA position 248, C replaced by T.
Protein change: p.Thr83Met; replaces threonine 83 with methionine.
Molecular consequence: missense variant.
Genome position (GRCh38, 1-based): chr5:65,994,805, C>T. VCF-style: chr5-65994805-C-T. GRCh37 (hg19) VCF-style: chr5-65290633-C-T.
Other names: c.248C>T, p.Thr83Met (NM_001006600.3, NM_001253698.2, NM_001253699.2 and 2 more transcripts); short protein forms T83M.
Identifiers: ClinVar variation 2164092 (VCV002164092.4), dbSNP rs756742838, ClinGen allele CA3285854.
Genomic context (GRCh38, chr5:65,994,805, plus strand): 5'-AGCAACTTTTTAACTGTCAGTCTTTACACAAACTGAGTTTGCCAGACAATGATTTAACAA[C>T]GTTACCAGCATCCATTGCAAACCTTATTAATCTCAGGGAACTGGATGTCAGCAAGAATGG-3'
Protein context (NP_001240626.1, residues 73-93): KLSLPDNDLT[Thr83Met]LPASIANLIN